The following is an entry in ClinVar:

ClinVar aggregate classification (germline): Conflicting classifications of pathogenicity. Review status: criteria provided, conflicting classifications (1 of 4 stars). 3 submissions from 3 submitters: Uncertain significance (1); Benign (1); Likely benign (1). Last evaluated 2026-05-12.

Conditions:
Hereditary cancer-predisposing syndrome. Also called: Tumor predisposition; Hereditary Cancer Syndrome; Hereditary neoplastic syndrome; Neoplastic Syndromes, Hereditary. Identifiers: Orphanet 140162, MedGen C0027672, MeSH D009386, MONDO:0015356.
Multiple endocrine neoplasia, type 2 (MEN2). Identifiers: Orphanet 653, MedGen C4048306, MONDO:0019003. Disease mechanism: gain of function.
Multiple endocrine neoplasia type 2A. Also called: MULTIPLE ENDOCRINE NEOPLASIA, TYPE IIA; PTC SYNDROME; SIPPLE SYNDROME; MEN 2A; MEN-2A syndrome; Pheochromocytoma and amyloid producing medullary thyroid carcinoma. Identifiers: Orphanet 247698, Orphanet 653, MedGen C0025268, MeSH D018813, MONDO:0008234, OMIM 171400.

gnomAD v4.1: 1 of 1,612,954 alleles (0.000062%); highest among the groups gnomAD compares: Non-Finnish European, 0.000085%; no homozygotes.

Submissions (3):

Ambry Genetics
Classification: Uncertain significance for Hereditary cancer-predisposing syndrome. Last evaluated: 2026-05-12. Review status: criteria provided, single submitter. Criteria: Ambry Variant Classification Scheme 2023. Collection method: clinical testing. Allele origin: germline.
Comment: The c.1998G>A variant (also known as p.K666K), located in coding exon 11 of the RET gene, results from a G to A substitution at nucleotide position 1998. This nucleotide substitution does not change the lysine at codon 666. This nucleotide position is well conserved in available vertebrate species. In silico splice site analysis for this alteration is inconclusive. Based on the available evidence, the clinical significance of this variant remains unclear.

Myriad Genetics, Inc.
Classification: Benign for Multiple endocrine neoplasia type 2A. Last evaluated: 2025-02-26. Review status: criteria provided, single submitter. Criteria: Myriad Autosomal Dominant, Autosomal Recessive and X-Linked Classification Criteria (2023). Collection method: clinical testing. Allele origin: unknown.
Comment: This variant is considered benign. This variant is a silent/synonymous amino acid change and it is not expected to impact splicing.

Labcorp Genetics (formerly Invitae), Labcorp
Classification: Likely benign for Multiple endocrine neoplasia, type 2. Last evaluated: 2024-05-18. Review status: criteria provided, single submitter. Criteria: Invitae Variant Classification Sherloc (09022015). Collection method: clinical testing. Allele origin: germline.

NM_020975.6(RET):c.1998G>A (p.Lys666=)

Gene: RET (ret proto-oncogene; plus strand). Cytogenetic location: 10q11.21.
Variant type: single nucleotide variant.
Coding change: c.1998G>A on transcript NM_020975.6 (MANE Select); coding-DNA position 1998, G replaced by A.
Protein change: p.Lys666=; no amino-acid change (lysine 666 retained).
Molecular consequence: synonymous variant. On other transcripts: intron variant (4).
Genome position (GRCh38, 1-based): chr10:43,114,598, G>A. VCF-style: chr10-43114598-G-A. GRCh37 (hg19) VCF-style: chr10-43610046-G-A.
Other names: c.1998G>A, p.Lys666= (NM_000323.2, NM_001406743.1, NM_001406744.1 and 4 more transcripts); c.1236G>A, p.Lys412= (NM_001355216.2); c.1869G>A, p.Lys623= (NM_001406761.1, NM_001406762.1, NM_001406764.1); c.1710G>A, p.Lys570= (NM_001406766.1, NM_001406767.1, NM_001406770.1); c.1602G>A, p.Lys534= (NM_001406769.1, NM_001406772.1); c.1560G>A, p.Lys520= (NM_001406771.1, NM_001406773.1); c.1473G>A, p.Lys491= (NM_001406774.1); c.1272G>A, p.Lys424= (NM_001406775.1, NM_001406776.1, NM_001406777.1 and 1 more transcripts); and 10 more.
Identifiers: ClinVar variation 2165108 (VCV002165108.6), dbSNP rs146646971, ClinGen allele CA469479820.